The following is an entry in ClinVar:

NM_000488.4(SERPINC1):c.266G>T (p.Arg89Leu)

Gene: SERPINC1 (serpin family C member 1; minus strand). Cytogenetic location: 1q25.1.
Variant type: single nucleotide variant.
Coding change: c.266G>T on transcript NM_000488.4 (MANE Select); coding-DNA position 266, G replaced by T.
Protein change: p.Arg89Leu; replaces arginine 89 with leucine.
Molecular consequence: missense variant.
Genome position (GRCh38, 1-based): chr1:173,914,695, C>A on the plus strand (G>T on the coding strand, the complement: SERPINC1 is on the minus strand). VCF-style: chr1-173914695-C-A. GRCh37 (hg19) VCF-style: chr1-173883833-C-A.
Other names: c.122G>T, p.Arg41Leu (NM_001365052.2); c.266G>T, p.Arg89Leu (NM_001386302.1, NM_001386304.1, NM_001386305.1 and 1 more transcripts); c.347G>T, p.Arg116Leu (NM_001386303.1); short protein forms R116L, R41L, R89L.
Identifiers: ClinVar variation 4754859 (VCV004754859.1).

ClinVar aggregate classification (germline): Uncertain significance (1 of 4 stars; one submission).

Conditions:
Hereditary antithrombin deficiency (AT3D). Also called: Antithrombin III deficiency; Thrombophilia due to antithrombin III deficiency; Antithrombin deficiency; Reduced antithrombin III activity. Identifiers: Orphanet 82, MedGen C0272375, MONDO:0013144, OMIM 613118, HP:0001976.

gnomAD v4.1: 1 of 1,614,202 alleles (0.000062%); no homozygotes.

Submission:

Labcorp Genetics (formerly Invitae), Labcorp
Classification: Uncertain significance for Hereditary antithrombin deficiency. Last evaluated: 2025-11-17. Review status: criteria provided, single submitter. Criteria: Invitae Variant Classification Sherloc (09022015). Collection method: clinical testing. Allele origin: germline.
Comment: This sequence change replaces arginine, which is basic and polar, with leucine, which is neutral and non-polar, at codon 89 of the SERPINC1 protein (p.Arg89Leu). This variant is not present in population databases (gnomAD no frequency). This variant has not been reported in the literature in individuals affected with SERPINC1-related conditions. Invitae Evidence Modeling of protein sequence and biophysical properties (such as structural, functional, and spatial information, amino acid conservation, physicochemical variation, residue mobility, and thermodynamic stability) has been performed for this missense variant. However, the output from this modeling did not meet the statistical confidence thresholds required to predict the impact of this variant on SERPINC1 protein function. In summary, the available evidence is currently insufficient to determine the role of this variant in disease. Therefore, it has been classified as a Variant of Uncertain Significance.